The following is an entry in ClinVar:

NM_021008.4(DEAF1):c.548C>T (p.Pro183Leu)

Gene: DEAF1 (DEAF1 transcription factor; minus strand). Cytogenetic location: 11p15.5.
Variant type: single nucleotide variant.
Coding change: c.548C>T on transcript NM_021008.4 (MANE Select); coding-DNA position 548, C replaced by T.
Protein change: p.Pro183Leu; replaces proline 183 with leucine.
Molecular consequence: missense variant. On other transcripts: 5 prime UTR variant (1).
Genome position (GRCh38, 1-based): chr11:688,027, G>A on the plus strand (C>T on the coding strand, the complement: DEAF1 is on the minus strand). VCF-style: chr11-688027-G-A. GRCh37 (hg19) VCF-style: chr11-688027-G-A.
Other names: c.548C>T (NM_021008.2); c.548C>T, p.Pro183Leu (NM_001293634.2); c.-179C>T (NM_001367390.1); short protein forms P183L.
Identifiers: ClinVar variation 1418435 (VCV001418435.9), dbSNP rs376294152, ClinGen allele CA5786492.

ClinVar aggregate classification (germline): Uncertain significance. Review status: criteria provided, multiple submitters, no conflicts (2 of 4 stars). 4 submissions from 4 submitters: Uncertain significance (3). 1 of the submissions does not count toward it. Last evaluated 2025-07-03.

Conditions:
DEAF1-related disorder.
Inborn genetic diseases. Identifiers: MedGen C0950123, MeSH D030342.

Allele frequency attached by ClinVar (database versions not stated): gnomAD exomes 0.00008 and 0.00002; ExAC 0.00002; gnomAD 0.00003 and 0.00004; TOPMed 0.00003; ESP Exome Variant Server 0.00008.
gnomAD v4.1: 126 of 1,613,938 alleles (0.0078%); highest among the groups gnomAD compares: Non-Finnish European, 0.0097%; no homozygotes.

Submissions (4):

Labcorp Genetics (formerly Invitae), Labcorp
Classification: Uncertain significance. Last evaluated: 2025-07-03. Review status: criteria provided, single submitter. Criteria: Invitae Variant Classification Sherloc (09022015). Collection method: clinical testing. Allele origin: germline.
Comment: This sequence change replaces proline, which is neutral and non-polar, with leucine, which is neutral and non-polar, at codon 183 of the DEAF1 protein (p.Pro183Leu). This variant is present in population databases (rs376294152, gnomAD 0.006%). This variant has not been reported in the literature in individuals affected with DEAF1-related conditions. ClinVar contains an entry for this variant (Variation ID: 1418435). Invitae Evidence Modeling of protein sequence and biophysical properties (such as structural, functional, and spatial information, amino acid conservation, physicochemical variation, residue mobility, and thermodynamic stability) has been performed for this missense variant. However, the output from this modeling did not meet the statistical confidence thresholds required to predict the impact of this variant on DEAF1 protein function. In summary, the available evidence is currently insufficient to determine the role of this variant in disease. Therefore, it has been classified as a Variant of Uncertain Significance.

Ambry Genetics
Classification: Uncertain significance for Inborn genetic diseases. Last evaluated: 2025-04-20. Review status: criteria provided, single submitter. Criteria: Ambry Variant Classification Scheme 2023. Collection method: clinical testing. Allele origin: germline.

GeneDx
Classification: Uncertain significance. Last evaluated: 2023-08-01. Review status: criteria provided, single submitter. Criteria: GeneDx Variant Classification Process June 2021. Collection method: clinical testing. Allele origin: germline. Affected: yes.
Comment: In silico analysis supports that this missense variant has a deleterious effect on protein structure/function; Has not been previously published as pathogenic or benign to our knowledge

PreventionGenetics, part of Exact Sciences
Classification: Uncertain significance for DEAF1-related condition. Last evaluated: 2024-03-27. Review status: no assertion criteria provided. Collection method: clinical testing. Allele origin: germline. Not counted in ClinVar's aggregate classification.
Comment: The DEAF1 c.548C>T variant is predicted to result in the amino acid substitution p.Pro183Leu. To our knowledge, this variant has not been reported in the literature. This variant is reported in 0.0056% of alleles in individuals of Latino descent in gnomAD. At this time, the clinical significance of this variant is uncertain due to the absence of conclusive functional and genetic evidence.